The following is an entry in ClinVar:

ClinVar aggregate classification (germline): Likely benign. Review status: criteria provided, single submitter (1 of 4 stars). 2 submissions from 2 submitters: Likely benign (1). 1 of the submissions does not count toward it. Last evaluated 2022-07-01.

Conditions:
GIGYF1-related disorder. Also called: GIGYF1-related condition.

Allele frequency attached by ClinVar (database versions not stated): gnomAD 0.00030; 1000 Genomes Project 0.00140; 1000 Genomes Project 30x 0.00141.

Submissions (2):

CeGaT Center for Human Genetics Tuebingen
Classification: Likely benign. Last evaluated: 2022-07-01. Review status: criteria provided, single submitter. Criteria: CeGaT Center For Human Genetics Tuebingen Variant Classification Criteria Version 2. Collection method: clinical testing. Allele origin: germline. Affected: yes. Observed: 2 variant alleles.
Comment: GIGYF1: BP4, BP7

PreventionGenetics, part of Exact Sciences
Classification: Likely benign for GIGYF1-related condition. Last evaluated: 2024-02-16. Review status: no assertion criteria provided. Collection method: clinical testing. Allele origin: germline. Not counted in ClinVar's aggregate classification.
Comment: This variant is classified as likely benign based on ACMG/AMP sequence variant interpretation guidelines (Richards et al. 2015 PMID: 25741868, with internal and published modifications).

NM_001375765.1(GIGYF1):c.1473G>A (p.Thr491=)

Gene: GIGYF1 (GRB10 interacting GYF protein 1; minus strand). Cytogenetic location: 7q22.1.
Variant type: single nucleotide variant.
Coding change: c.1473G>A on transcript NM_001375765.1 (MANE Select); coding-DNA position 1473, G replaced by A.
Protein change: p.Thr491=; no amino-acid change (threonine 491 retained).
Molecular consequence: synonymous variant. On other transcripts: non-coding transcript variant (1).
Genome position (GRCh38, 1-based): chr7:100,684,606, C>T on the plus strand (G>A on the coding strand, the complement: GIGYF1 is on the minus strand). VCF-style: chr7-100684606-C-T. GRCh37 (hg19) VCF-style: chr7-100282229-C-T.
Other names: NM_022574.4:c.1473G>A; c.1473G>A, p.Thr491= (NM_001375763.1, NM_001375764.1, NM_001375766.1 and 6 more transcripts).
Identifiers: ClinVar variation 2657761 (VCV002657761.25), dbSNP rs201403082, ClinGen allele CA4388547.